The following is an entry in ClinVar:

NM_000287.4(PEX6):c.2253C>T (p.Thr751=)

Gene: PEX6 (peroxisomal biogenesis factor 6; minus strand). Cytogenetic location: 6p21.1.
Variant type: single nucleotide variant.
Coding change: c.2253C>T on transcript NM_000287.4 (MANE Select); coding-DNA position 2253, C replaced by T.
Protein change: p.Thr751=; no amino-acid change (threonine 751 retained).
Molecular consequence: synonymous variant.
Genome position (GRCh38, 1-based): chr6:42,966,289, G>A on the plus strand (C>T on the coding strand, the complement: PEX6 is on the minus strand). VCF-style: chr6-42966289-G-A. GRCh37 (hg19) VCF-style: chr6-42934027-G-A.
Other names: c.1989C>T, p.Thr663= (NM_001316313.2); c.2253C>T (NM_000287.3).
Identifiers: ClinVar variation 1077718 (VCV001077718.10), dbSNP rs369174722, ClinGen allele CA450365621.

ClinVar aggregate classification (germline): Likely benign. Review status: criteria provided, multiple submitters, no conflicts (2 of 4 stars). 2 submissions from 2 submitters: Likely benign (2). Last evaluated 2026-07-28.

Conditions:
Peroxisome biogenesis disorder. Identifiers: Orphanet 79189, MedGen C1832200, MONDO:0019234. Disease mechanism: loss of function.
PEX6-related disorder. Also called: PEX6-related disorders; PEX6-related condition.

Allele frequency attached by ClinVar (database versions not stated): gnomAD exomes below 0.00001.
gnomAD v4.1: 1 of 1,612,382 alleles (0.000062%); highest among the groups gnomAD compares: East Asian, 0.0022%; no homozygotes.

Submissions (2):

PreventionGenetics, part of Exact Sciences
Classification: Likely benign for PEX6-related condition. Last evaluated: 2026-07-28. Review status: criteria provided, single submitter. Criteria: ACMG Guidelines, 2015. Collection method: clinical testing. Allele origin: germline.
Comment: This variant is classified as likely benign based on ACMG/AMP sequence variant interpretation guidelines (Richards et al. 2015 PMID: 25741868, with internal and published modifications).

Labcorp Genetics (formerly Invitae), Labcorp
Classification: Likely benign for Peroxisome biogenesis disorder. Last evaluated: 2025-11-15. Review status: criteria provided, single submitter. Criteria: Invitae Variant Classification Sherloc (09022015). Collection method: clinical testing. Allele origin: germline.